The following is an entry in ClinVar:

NM_016122.3(CEP83):c.1354C>A (p.Gln452Lys)

Gene: CEP83 (centrosomal protein 83; minus strand). Cytogenetic location: 12q22.
Variant type: single nucleotide variant.
Coding change: c.1354C>A on transcript NM_016122.3 (MANE Select); coding-DNA position 1354, C replaced by A.
Protein change: p.Gln452Lys; replaces glutamine 452 with lysine.
Molecular consequence: missense variant. On other transcripts: non-coding transcript variant (2).
Genome position (GRCh38, 1-based): chr12:94,335,654, G>T on the plus strand (C>A on the coding strand, the complement: CEP83 is on the minus strand). VCF-style: chr12-94335654-G-T. GRCh37 (hg19) VCF-style: chr12-94729430-G-T.
Other names: c.1354C>A, p.Gln452Lys (NM_001042399.2, NM_001346457.2, NM_001368037.1 and 1 more transcripts); c.1042C>A, p.Gln348Lys (NM_001346458.2, NM_001346459.2, NM_001368039.1 and 1 more transcripts); c.1129C>A, p.Gln377Lys (NM_001368041.1); short protein forms Q348K, Q377K, Q452K.
Identifiers: ClinVar variation 1015191 (VCV001015191.5), dbSNP rs190452572, ClinGen allele CA6721664.

ClinVar aggregate classification (germline): Uncertain significance (1 of 4 stars; one submission).

Conditions:
Nephronophthisis 18 (NPHP18). Identifiers: Orphanet 655, MedGen C3890591, MONDO:0014374, OMIM 615862.

Allele frequency attached by ClinVar (database versions not stated): gnomAD exomes below 0.00001; gnomAD 0.00001; ExAC 0.00003; 1000 Genomes Project 30x 0.00016; 1000 Genomes Project 0.00020.
gnomAD v4.1: 4 of 1,580,876 alleles (0.00025%); highest among the groups gnomAD compares: African/African-American, 0.0014%; no homozygotes.

Submission:

Labcorp Genetics (formerly Invitae), Labcorp
Classification: Uncertain significance for Nephronophthisis 18. Last evaluated: 2022-11-03. Review status: criteria provided, single submitter. Criteria: Invitae Variant Classification Sherloc (09022015). Collection method: clinical testing. Allele origin: germline.
Comment: In summary, the available evidence is currently insufficient to determine the role of this variant in disease. Therefore, it has been classified as a Variant of Uncertain Significance. Advanced modeling of protein sequence and biophysical properties (such as structural, functional, and spatial information, amino acid conservation, physicochemical variation, residue mobility, and thermodynamic stability) performed at Invitae indicates that this missense variant is not expected to disrupt CEP83 protein function. ClinVar contains an entry for this variant (Variation ID: 1015191). This variant has not been reported in the literature in individuals affected with CEP83-related conditions. The frequency data for this variant in the population databases is considered unreliable, as metrics indicate poor data quality at this position in the gnomAD database. This sequence change replaces glutamine, which is neutral and polar, with lysine, which is basic and polar, at codon 452 of the CEP83 protein (p.Gln452Lys).